The following is an entry in ClinVar:

NM_001195427.2(SRSF2):c.284C>A (p.Pro95His)

Genes: MFSD11 (major facilitator superfamily domain containing 11; plus strand), SRSF2 (serine and arginine rich splicing factor 2; minus strand). Cytogenetic location: 17q25.1.
Variant type: single nucleotide variant.
Coding change: c.284C>A on transcript NM_001195427.2 (MANE Select); coding-DNA position 284, C replaced by A.
Protein change: p.Pro95His; replaces proline 95 with histidine.
Molecular consequence: missense variant. On other transcripts: non-coding transcript variant (4), 5 prime UTR variant (2).
Genome position (GRCh38, 1-based): chr17:76,736,877, G>T on the plus strand (C>A on the coding strand, the complement: SRSF2 is on the minus strand). VCF-style: chr17-76736877-G-T. GRCh37 (hg19) VCF-style: chr17-74732959-G-T.
Other names: c.284C>A, p.Pro95His (NM_003016.5); c.-286G>T (NM_001242534.3); c.-281G>T (NM_001353017.2); short protein forms P95H.
Identifiers: ClinVar variation 3765039 (VCV003765039.8).
Genomic context (GRCh38, chr17:76,736,877, plus strand): 5'-TAGCCACCGCCCCCGTACCTGCGGGGTGGCGGTCCCCGGCGGCTGTGGTGTGAGTCCGGG[G>T]GGCGGCCGTAGCGCGCCATTTGCACCCGCAGCTCGCGGCCGTCCAGCACGGCCCCGTCCA-3'
Protein context (NP_001182356.1, residues 85-105): LRVQMARYGR[Pro95His]PDSHHSRRGP

ClinVar aggregate classification (germline): Pathogenic (1 of 4 stars; one submission).
ClinVar aggregate classification (oncogenicity): Oncogenic. Review status: criteria provided, multiple submitters, no conflicts (2 of 4 stars). 2 submissions from 2 submitters. Last evaluated 2026-10-16.

Conditions:
Acute myeloid leukemia (AML). Also called: Leukemia, acute myeloid, somatic; Leukemia, acute myelogenous, somatic; Acute myeloid leukemia, adult; AML adult; Acute non-lymphocytic leukemia; Acute granulocytic leukemia. Identifiers: Orphanet 519, MedGen C0023467, MeSH D015470, MONDO:0018874, OMIM 601626, HP:0004808. Disease mechanism: Constitutively activated FLT3.
Neoplasm. Also called: tumor; Neoplasms; Neoplasm (disease). Identifiers: MedGen C0027651, MeSH D009369, MONDO:0005070, HP:0002664.

gnomAD v4.1: 157 of 1,610,816 alleles (0.0097%); highest among the groups gnomAD compares: Non-Finnish European, 0.011%; no homozygotes.

Submissions (3):

Center for Virology of Infectious and Tropical Diseases (CVMIT), Mohammed V Military Teaching Hospital
Classification: Oncogenic for Acute myeloid leukemia. Last evaluated: 2026-10-16. Review status: criteria provided, single submitter. Criteria: ClinGen/CGC/VICC Guidelines for Oncogenicity, 2022. Collection method: research. Allele origin: somatic. Affected: yes. Observed: 3 variant alleles.
Comment: SRSF2 p.Pro95His. Identified by targeted NGS (Ion Torrent) in 3 patient(s) with AML from Morocco; variant allele fraction: 21.1%; 42.2%; 45.1%. Oncogenicity classified with the ClinGen/CGC/VICC SOP (Horak et al. 2022, PMID:35101336). Criteria applied: OS2: P95H alters exonic splicing enhancer preference and impairs haematopoietic differentiation (PMID:25965569); OS3: SRSF2 P95 hotspot, highly recurrent in myeloid neoplasms (tumour-type data used per SOP caveat; PMID:21909114, PMID:27276561); concordant in silico predictions (CADD 29.3, AlphaMissense likely pathogenic 0.98, SIFT deleterious) (OP1); present in gnomAD v4 only at very low allele frequency (AF 9.7e-5), compatible with clonal hematopoiesis in controls (OP4). Total 10 points (Oncogenic). ClinVar at analysis (release 2022-07-09, used by Ion Reporter): not present. Current record: ClinVar VCV003765039.6 (consulted 2026-10-29): germline classification Pathogenic; somatic oncogenicity Oncogenic.

CeGaT Center for Human Genetics Tuebingen
Classification: Pathogenic. Last evaluated: 2026-05-01. Review status: criteria provided, single submitter. Criteria: CeGaT Center For Human Genetics Tuebingen Variant Classification Criteria Version 2. Collection method: clinical testing. Allele origin: germline. Affected: yes. Observed: 2 variant alleles.
Comment: SRSF2: PS3, PM1, PM5, PS4:Moderate, PP3

Center for Genomic Medicine, Rigshospitalet, Copenhagen University Hospital
Classification: Oncogenic for Neoplasm. Last evaluated: 2025-03-04. Review status: criteria provided, single submitter. Criteria: ClinGen/CGC/VICC Guidelines for Oncogenicity, 2022. Collection method: clinical testing. Allele origin: somatic. Affected: yes.

Literature cited by the submitters: PubMed 25965569 (cited by Center for Virology of Infectious and Tropical Diseases (CVMIT), Mohammed V Military Teaching Hospital); PubMed 21909114 (cited by Center for Virology of Infectious and Tropical Diseases (CVMIT), Mohammed V Military Teaching Hospital); PubMed 27276561 (cited by Center for Virology of Infectious and Tropical Diseases (CVMIT), Mohammed V Military Teaching Hospital); PubMed 26261309 (cited by Center for Genomic Medicine, Rigshospitalet, Copenhagen University Hospital); PubMed 29533785 (cited by Center for Genomic Medicine, Rigshospitalet, Copenhagen University Hospital); PubMed 31040863 (cited by Center for Genomic Medicine, Rigshospitalet, Copenhagen University Hospital); PubMed 32001512 (cited by Center for Genomic Medicine, Rigshospitalet, Copenhagen University Hospital).